The following is an entry in ClinVar:

NM_001256627.2(BRSK2):c.2140_2159del (p.Asp714fs)

Gene: BRSK2 (BR serine/threonine kinase 2; plus strand). Cytogenetic location: 11p15.5.
Variant type: Deletion.
Coding change: c.2140_2159del on transcript NM_001256627.2 (MANE Select); coding-DNA positions 2140 to 2159, 20 bases deleted (GACGCCGAGTACCCAACGGG).
Protein change: p.Asp714fs; shifts the reading frame from aspartic acid 714.
Molecular consequence: frameshift variant. On other transcripts: intron variant (3).
Genome position (GRCh38, 1-based): chr11:1,460,652-1,460,671, GACGCCGAGTACCCAACGGG deleted; deleting any 20 consecutive bases within chr11:1,460,649-1,460,671 gives the same sequence; the c. name uses the placement nearest the transcript's 3' end. VCF-style (leftmost placement, unchanged base first): chr11-1460648-AGGGGACGCCGAGTACCCAAC-A. GRCh37 (hg19) VCF-style: chr11-1481878-AGGGGACGCCGAGTACCCAAC-A.
Other names: c.2230_2249del, p.Asp744fs (NM_001256630.1); c.*10-318_*10-299del (NM_001256629.2, NM_001282218.2); c.1988-318_1988-299del (NM_003957.4); short protein forms D714fs, D744fs.
Identifiers: ClinVar variation 3368508 (VCV003368508.1).

ClinVar aggregate classification (germline): Uncertain significance (1 of 4 stars; one submission).

Submission:

GeneDx
Classification: Uncertain significance. Last evaluated: 2024-02-01. Review status: criteria provided, single submitter. Criteria: GeneDx Variant Classification Process June 2021. Collection method: clinical testing. Allele origin: germline. Affected: yes.
Comment: Not observed at significant frequency in large population cohorts (gnomAD); Frameshift variant predicted to result in abnormal protein length as the last 23 amino acids are replaced with 105 different amino acids; Has not been previously published as pathogenic or benign to our knowledge